The following is an entry in ClinVar:

NM_015046.7(SETX):c.3109G>C (p.Asp1037His)

Gene: SETX (senataxin; minus strand). Cytogenetic location: 9q34.13.
Variant type: single nucleotide variant.
Coding change: c.3109G>C on transcript NM_015046.7 (MANE Select); coding-DNA position 3109, G replaced by C.
Protein change: p.Asp1037His; replaces aspartic acid 1037 with histidine.
Molecular consequence: missense variant.
Genome position (GRCh38, 1-based): chr9:132,328,489, C>G on the plus strand (G>C on the coding strand, the complement: SETX is on the minus strand). VCF-style: chr9-132328489-C-G. GRCh37 (hg19) VCF-style: chr9-135203876-C-G.
Other names: c.3109G>C, p.Asp1037His (NM_001351527.2, NM_001351528.2); short protein forms D1037H.
Identifiers: ClinVar variation 4979223 (VCV004979223.1).

ClinVar aggregate classification (germline): Uncertain significance (1 of 4 stars; one submission).

Conditions:
SETX-related disorder. Also called: SETX-related condition; SETX-related disorders. Identifiers: MedGen CN239403.

gnomAD v4.1: 13 of 1,613,778 alleles (0.00081%); highest among the groups gnomAD compares: Non-Finnish European, 0.001%; no homozygotes.

Submission:

PreventionGenetics, part of Exact Sciences
Classification: Uncertain significance for SETX-related condition. Last evaluated: 2026-09-22. Review status: criteria provided, single submitter. Criteria: ACMG Guidelines, 2015. Collection method: clinical testing. Allele origin: germline.
Comment: The SETX c.3109G>C variant is predicted to result in the amino acid substitution p.Asp1037His. To our knowledge, this variant has not been reported in the literature. This variant is reported in 0.0018% of alleles in individuals of European (Non-Finnish) descent in gnomAD. At this time, the clinical significance of this variant is uncertain due to the absence of conclusive functional and genetic evidence.